The following is an entry in ClinVar:

ClinVar aggregate classification (germline): Pathogenic (1 of 4 stars; one submission).

Conditions:
Glycogen storage disease XV (GSD15). Also called: GLYCOGENIN DEFICIENCY; GSD XV. Identifiers: Orphanet 263297, MedGen C3150754, MONDO:0013291, OMIM 613507.
Polyglucosan body myopathy type 2. Identifiers: Orphanet 456369, MedGen C4015452, MONDO:0014526, OMIM 616199.

Submission:

Labcorp Genetics (formerly Invitae), Labcorp
Classification: Pathogenic for Polyglucosan body myopathy type 2; Glycogen storage disease XV. Last evaluated: 2023-11-25. Review status: criteria provided, single submitter. Criteria: Invitae Variant Classification Sherloc (09022015). Collection method: clinical testing. Allele origin: germline.
Comment: This sequence change creates a premature translational stop signal (p.Thr32Hisfs*25) in the GYG1 gene. It is expected to result in an absent or disrupted protein product. Loss-of-function variants in GYG1 are known to be pathogenic (PMID: 20357282, 25272951). This variant is present in population databases (no rsID available, gnomAD 0.006%). This variant has not been reported in the literature in individuals affected with GYG1-related conditions. For these reasons, this variant has been classified as Pathogenic.

Literature cited by the submitters: PubMed 20357282; PubMed 25272951.

NM_004130.4(GYG1):c.93dup (p.Thr32fs)

Gene: GYG1 (glycogenin 1; plus strand). Cytogenetic location: 3q24.
Variant type: Duplication.
Coding change: c.93dup on transcript NM_004130.4 (MANE Select); coding-DNA position 93, one base duplicated (C; older notation c.93dupC).
Protein change: p.Thr32fs; shifts the reading frame from threonine 32.
Molecular consequence: frameshift variant.
Genome position (GRCh38, 1-based): chr3:148,994,227, C duplicated; the last of 2 consecutive C bases (chr3:148,994,226-148,994,227); duplicating either gives the same sequence. VCF-style (leftmost placement, unchanged base first): chr3-148994225-A-AC. GRCh37 (hg19) VCF-style: chr3-148712012-A-AC.
Other names: c.93dup, p.Thr32fs (NM_001184720.2, NM_001184721.2); short protein forms T32fs.
Identifiers: ClinVar variation 2949894 (VCV002949894.3), dbSNP rs1559995920, ClinGen allele CA546924927.
Genomic context (GRCh38, chr3:148,994,225, plus strand): 5'-ACAAACGATGCCTACGCCAAAGGTGCCCTGGTCCTGGGATCATCTCTGAAACAGCACAGG[A>AC]CCACCAGGAGGCTGGTCGTGCTCGCCACCCCTCAGGTCTCAGACTCCATGAGGTGAGGAC-3'